The following is an entry in ClinVar:

NM_014780.5(CUL7):c.4074A>T (p.Glu1358Asp)

Gene: CUL7 (cullin 7; minus strand). Cytogenetic location: 6p21.1.
Variant type: single nucleotide variant.
Coding change: c.4074A>T on transcript NM_014780.5 (MANE Select); coding-DNA position 4074, A replaced by T.
Protein change: p.Glu1358Asp; replaces glutamic acid 1358 with aspartic acid.
Molecular consequence: missense variant.
Genome position (GRCh38, 1-based): chr6:43,040,376, T>A on the plus strand (A>T on the coding strand, the complement: CUL7 is on the minus strand). VCF-style: chr6-43040376-T-A. GRCh37 (hg19) VCF-style: chr6-43008114-T-A.
Other names: c.4074A>T (NM_014780.4); c.4170A>T, p.Glu1390Asp (NM_001168370.2, NM_001374872.1); c.4074A>T, p.Glu1358Asp (NM_001374873.1); c.4071A>T, p.Glu1357Asp (NM_001374874.1); short protein forms E1357D, E1358D, E1390D.
Identifiers: ClinVar variation 1059585 (VCV001059585.12), dbSNP rs146346558, ClinGen allele CA3813302.

ClinVar aggregate classification (germline): Conflicting classifications of pathogenicity. Review status: criteria provided, conflicting classifications (1 of 4 stars). 5 submissions from 5 submitters: Uncertain significance (4); Likely benign (1). Last evaluated 2025-08-19.

Conditions:
3M syndrome 1. Also called: 3-M Syndrome, CUL7-Related. Identifiers: Orphanet 2616, MedGen C2678312, MONDO:0010117, OMIM 273750.
Inborn genetic diseases. Identifiers: MedGen C0950123, MeSH D030342.
CUL7-related disorder. Also called: CUL7-related condition.

Allele frequency attached by ClinVar (database versions not stated): gnomAD exomes 0.00004 and 0.00010; ExAC 0.00012; gnomAD 0.00040 and 0.00044; TOPMed 0.00043; ESP Exome Variant Server 0.00046.
gnomAD v4.1: 128 of 1,613,358 alleles (0.0079%); highest among the groups gnomAD compares: African/African-American, 0.15%; no homozygotes.

Submissions (5):

PreventionGenetics, part of Exact Sciences
Classification: Likely benign for CUL7-related condition. Last evaluated: 2025-08-19. Review status: criteria provided, single submitter. Criteria: ACMG Guidelines, 2015. Collection method: clinical testing. Allele origin: germline.
Comment: This variant is classified as likely benign based on ACMG/AMP sequence variant interpretation guidelines (Richards et al. 2015 PMID: 25741868, with internal and published modifications).

Women's Health and Genetics/Laboratory Corporation of America, LabCorp
Classification: Uncertain significance. Last evaluated: 2025-01-13. Review status: criteria provided, single submitter. Criteria: LabCorp Variant Classification Summary - May 2015. Collection method: clinical testing. Allele origin: germline.
Comment: Variant summary: CUL7 c.4074A>T (p.Glu1358Asp) results in a conservative amino acid change located in the Cullin family domain of the encoded protein sequence. Five of five in-silico tools predict a benign effect of the variant on protein function. The variant allele was found at a frequency of 0.0001 in 250878 control chromosomes. This frequency is not significantly higher than estimated for a pathogenic variant in CUL7 causing Three M Syndrome 1 (0.0001 vs 0.0011), allowing no conclusion about variant significance. To our knowledge, no occurrence of c.4074A>T in individuals affected with Three M Syndrome 1 and no experimental evidence demonstrating its impact on protein function have been reported. ClinVar contains an entry for this variant (Variation ID: 1059585). Based on the evidence outlined above, the variant was classified as uncertain significance.

Labcorp Genetics (formerly Invitae), Labcorp
Classification: Uncertain significance. Last evaluated: 2022-03-03. Review status: criteria provided, single submitter. Criteria: Invitae Variant Classification Sherloc (09022015). Collection method: clinical testing. Allele origin: germline.
Comment: This sequence change replaces glutamic acid, which is acidic and polar, with aspartic acid, which is acidic and polar, at codon 1358 of the CUL7 protein (p.Glu1358Asp). This variant is present in population databases (rs146346558, gnomAD 0.1%). This variant has not been reported in the literature in individuals affected with CUL7-related conditions. ClinVar contains an entry for this variant (Variation ID: 1059585). Algorithms developed to predict the effect of missense changes on protein structure and function output the following: SIFT: "Tolerated"; PolyPhen-2: "Benign"; Align-GVGD: "Class C0". The aspartic acid amino acid residue is found in multiple mammalian species, which suggests that this missense change does not adversely affect protein function. In summary, the available evidence is currently insufficient to determine the role of this variant in disease. Therefore, it has been classified as a Variant of Uncertain Significance.

Ambry Genetics
Classification: Uncertain significance for Inborn genetic diseases. Last evaluated: 2021-07-06. Review status: criteria provided, single submitter. Criteria: Ambry Variant Classification Scheme 2023. Collection method: clinical testing. Allele origin: germline.

Revvity Omics, Revvity
Classification: Uncertain significance for 3M syndrome 1. Last evaluated: 2019-10-28. Review status: criteria provided, single submitter. Criteria: ACMG Guidelines, 2015. Collection method: clinical testing. Allele origin: germline.